The following is an entry in ClinVar:

NM_152296.5(ATP1A3):c.698C>T (p.Thr233Ile)

Gene: ATP1A3 (ATPase Na+/K+ transporting subunit alpha 3; minus strand). Cytogenetic location: 19q13.2.
Variant type: single nucleotide variant.
Coding change: c.698C>T on transcript NM_152296.5 (MANE Select); coding-DNA position 698, C replaced by T.
Protein change: p.Thr233Ile; replaces threonine 233 with isoleucine.
Molecular consequence: missense variant.
Genome position (GRCh38, 1-based): chr19:41,985,332, G>A on the plus strand (C>T on the coding strand, the complement: ATP1A3 is on the minus strand). VCF-style: chr19-41985332-G-A. GRCh37 (hg19) VCF-style: chr19-42489484-G-A.
Other names: c.731C>T, p.Thr244Ile (NM_001256213.2); c.737C>T, p.Thr246Ile (NM_001256214.2); short protein forms T233I, T244I, T246I.
Identifiers: ClinVar variation 3370553 (VCV003370553.1).

ClinVar aggregate classification (germline): Uncertain significance (1 of 4 stars; one submission).

Submission:

GeneDx
Classification: Uncertain significance. Last evaluated: 2024-03-05. Review status: criteria provided, single submitter. Criteria: GeneDx Variant Classification Process June 2021. Collection method: clinical testing. Allele origin: germline. Affected: yes.
Comment: Not observed at significant frequency in large population cohorts (gnomAD); In silico analysis supports that this missense variant does not alter protein structure/function; Has not been previously published as pathogenic or benign to our knowledge